The following is an entry in ClinVar:

NM_000080.4(CHRNE):c.376G>A (p.Ala126Thr)

Genes: C17orf107 (chromosome 17 open reading frame 107; plus strand), CHRNE (cholinergic receptor nicotinic epsilon subunit; minus strand). Cytogenetic location: 17p13.2.
Variant type: single nucleotide variant.
Coding change: c.376G>A on transcript NM_000080.4 (MANE Select); coding-DNA position 376, G replaced by A.
Protein change: p.Ala126Thr; replaces alanine 126 with threonine.
Molecular consequence: missense variant. On other transcripts: 3 prime UTR variant (1).
Genome position (GRCh38, 1-based): chr17:4,902,056, C>T on the plus strand (G>A on the coding strand, the complement: CHRNE is on the minus strand). VCF-style: chr17-4902056-C-T. GRCh37 (hg19) VCF-style: chr17-4805351-C-T.
Other names: c.*1523C>T (NM_001145536.2); short protein forms A126T.
Identifiers: ClinVar variation 4765532 (VCV004765532.1).

ClinVar aggregate classification (germline): Uncertain significance (1 of 4 stars; one submission).

Conditions:
Congenital myasthenic syndrome 4A. Also called: Myasthenic syndrome, congenital, 4a, slow-channel; CONGENITAL MYASTHENIC SYNDROME TYPE Ia1; MYASTHENIC SYNDROME, CONGENITAL, 4A, SLOW-CHANNEL, AUTOSOMAL RECESSIVE. Identifiers: Orphanet 590, MedGen C4225413, MONDO:0011600, OMIM 605809.

gnomAD v4.1: 1 of 1,614,112 alleles (0.000062%); highest among the groups gnomAD compares: Non-Finnish European, 0.000085%; no homozygotes.

Submission:

Labcorp Genetics (formerly Invitae), Labcorp
Classification: Uncertain significance for Congenital myasthenic syndrome 4A. Last evaluated: 2025-07-28. Review status: criteria provided, single submitter. Criteria: Invitae Variant Classification Sherloc (09022015). Collection method: clinical testing. Allele origin: germline.
Comment: This sequence change replaces alanine, which is neutral and non-polar, with threonine, which is neutral and polar, at codon 126 of the CHRNE protein (p.Ala126Thr). This variant is present in population databases (no rsID available, gnomAD 0.0009%). This variant has not been reported in the literature in individuals affected with CHRNE-related conditions. Invitae Evidence Modeling of protein sequence and biophysical properties (such as structural, functional, and spatial information, amino acid conservation, physicochemical variation, residue mobility, and thermodynamic stability) indicates that this missense variant is not expected to disrupt CHRNE protein function with a negative predictive value of 95%. In summary, the available evidence is currently insufficient to determine the role of this variant in disease. Therefore, it has been classified as a Variant of Uncertain Significance.